The following is an entry in ClinVar:

NM_000352.6(ABCC8):c.1393G>A (p.Ala465Thr)

Gene: ABCC8 (ATP binding cassette subfamily C member 8; minus strand). Cytogenetic location: 11p15.1.
Variant type: single nucleotide variant.
Coding change: c.1393G>A on transcript NM_000352.6 (MANE Select); coding-DNA position 1393, G replaced by A.
Protein change: p.Ala465Thr; replaces alanine 465 with threonine.
Molecular consequence: missense variant. On other transcripts: non-coding transcript variant (1).
Genome position (GRCh38, 1-based): chr11:17,443,252, C>T on the plus strand (G>A on the coding strand, the complement: ABCC8 is on the minus strand). VCF-style: chr11-17443252-C-T. GRCh37 (hg19) VCF-style: chr11-17464799-C-T.
Other names: c.1393G>A, p.Ala465Thr (NM_001287174.3, NM_001351295.2); c.1390G>A, p.Ala464Thr (NM_001351296.2, NM_001351297.2); short protein forms A465T, A464T.
Identifiers: ClinVar variation 5022853 (VCV005022853.1).

ClinVar aggregate classification (germline): Uncertain significance (1 of 4 stars; one submission).

Conditions:
Inborn genetic diseases. Identifiers: MedGen C0950123, MeSH D030342.

gnomAD v4.1: 14 of 1,614,006 alleles (0.00087%); highest among the groups gnomAD compares: South Asian, 0.0011%; no homozygotes.

Submission:

Ambry Genetics
Classification: Uncertain significance for Inborn genetic diseases. Last evaluated: 2026-06-25. Review status: criteria provided, single submitter. Criteria: Ambry Variant Classification Scheme 2023. Collection method: clinical testing. Allele origin: germline.
Comment: The p.A465T variant (also known as c.1393G>A), located in coding exon 9 of the ABCC8 gene, results from a G to A substitution at nucleotide position 1393. The alanine at codon 465 is replaced by threonine, an amino acid with similar properties. This amino acid position is conserved. In addition, this alteration is predicted to be tolerated by in silico analysis. Based on the available evidence, the clinical significance of this variant remains unclear.